The following is an entry in ClinVar:

ClinVar aggregate classification (germline): Uncertain significance. Review status: criteria provided, multiple submitters, no conflicts (2 of 4 stars). 2 submissions from 2 submitters: Uncertain significance (2). Last evaluated 2025-05-14.

Conditions:
Amyotrophic lateral sclerosis type 10 (ALS10). Also called: AMYOTROPHIC LATERAL SCLEROSIS 10 WITHOUT FRONTOTEMPORAL DEMENTIA AND WITH TDP43 INCLUSIONS; AMYOTROPHIC LATERAL SCLEROSIS 10 WITH OR WITHOUT FRONTOTEMPORAL DEMENTIA AND WITH TDP43 INCLUSIONS; AMYOTROPHIC LATERAL SCLEROSIS 10 WITH OR WITHOUT FRONTOTEMPORAL DEMENTIA; TARDBP-Related Amyotrophic Lateral Sclerosis-Frontotemporal Dementia; Amyotrophic lateral sclerosis 10, with or without FTD. Identifiers: Orphanet 275872, Orphanet 803, MedGen C2677565, MONDO:0012790, OMIM 612069.
FRONTOTEMPORAL LOBAR DEGENERATION WITH TDP43 INCLUSIONS, TARDBP-RELATED. Also called: Frontotemporal lobar degeneration, TARDBP-related. Identifiers: MedGen C3150169, OMIM 612069.

Submissions (2):

Labcorp Genetics (formerly Invitae), Labcorp
Classification: Uncertain significance for Amyotrophic lateral sclerosis type 10; FRONTOTEMPORAL LOBAR DEGENERATION WITH TDP43 INCLUSIONS, TARDBP-RELATED. Last evaluated: 2025-05-14. Review status: criteria provided, single submitter. Criteria: Invitae Variant Classification Sherloc (09022015). Collection method: clinical testing. Allele origin: germline.
Comment: This sequence change replaces glycine, which is neutral and non-polar, with serine, which is neutral and polar, at codon 357 of the TARDBP protein (p.Gly357Ser). This variant is not present in population databases (gnomAD no frequency). This missense change has been observed in individual(s) with amyotrophic lateral sclerosis (PMID: 20675015, 28160950, 34333853, 38389123). An algorithm developed to predict the effect of missense changes on protein structure and function (PolyPhen-2) suggests that this variant is likely to be disruptive. In summary, the available evidence is currently insufficient to determine the role of this variant in disease. Therefore, it has been classified as a Variant of Uncertain Significance.

Mayo Clinic Laboratories, Mayo Clinic
Classification: Uncertain significance. Last evaluated: 2025-05-08. Review status: criteria provided, single submitter. Criteria: ACMG Guidelines, 2015. Collection method: clinical testing. Allele origin: germline. Observed: 1 variant allele.
Comment: PP2, PM1, PM2_supporting

Literature cited by the submitters: PubMed 20675015 (cited by Labcorp Genetics (formerly Invitae), Labcorp and Mayo Clinic Laboratories, Mayo Clinic); PubMed 28160950 (cited by Labcorp Genetics (formerly Invitae), Labcorp and Mayo Clinic Laboratories, Mayo Clinic); PubMed 34333853 (cited by Labcorp Genetics (formerly Invitae), Labcorp); PubMed 38389123 (cited by Labcorp Genetics (formerly Invitae), Labcorp and Mayo Clinic Laboratories, Mayo Clinic); PubMed 21787329 (cited by Mayo Clinic Laboratories, Mayo Clinic); PubMed 23587065 (cited by Mayo Clinic Laboratories, Mayo Clinic).

NM_007375.4(TARDBP):c.1069G>A (p.Gly357Ser)

Gene: TARDBP (TAR DNA binding protein; plus strand). Cytogenetic location: 1p36.22.
Variant type: single nucleotide variant.
Coding change: c.1069G>A on transcript NM_007375.4 (MANE Select); coding-DNA position 1069, G replaced by A.
Protein change: p.Gly357Ser; replaces glycine 357 with serine.
Molecular consequence: missense variant.
Genome position (GRCh38, 1-based): chr1:11,022,478, G>A. VCF-style: chr1-11022478-G-A. GRCh37 (hg19) VCF-style: chr1-11082535-G-A.
Other names: p.Gly357Ser; short protein forms G357S.
Identifiers: ClinVar variation 4542149 (VCV004542149.2).